The following is an entry in ClinVar:

ClinVar aggregate classification (germline): Uncertain significance (1 of 4 stars; one submission).

Conditions:
Charcot-Marie-Tooth disease type 4. Also called: Charcot-Marie-Tooth, Type 4; Charcot-Marie-Tooth disease, type IV. Identifiers: Orphanet 64749, MedGen C4082197, MONDO:0018995.

Allele frequency attached by ClinVar (database versions not stated): gnomAD exomes below 0.00001 and 0.00001.
gnomAD v4.1: 3 of 1,614,158 alleles (0.00019%); highest among the groups gnomAD compares: Admixed American, 0.0017%; no homozygotes.

Submission:

Labcorp Genetics (formerly Invitae), Labcorp
Classification: Uncertain significance for Charcot-Marie-Tooth disease type 4. Last evaluated: 2021-09-01. Review status: criteria provided, single submitter. Criteria: Invitae Variant Classification Sherloc (09022015). Collection method: clinical testing. Allele origin: germline.
Comment: This sequence change replaces alanine with proline at codon 1291 of the SBF2 protein (p.Ala1291Pro). The alanine residue is moderately conserved and there is a small physicochemical difference between alanine and proline. This variant is not present in population databases (ExAC no frequency). This variant has not been reported in the literature in individuals affected with SBF2-related conditions. Algorithms developed to predict the effect of missense changes on protein structure and function are either unavailable or do not agree on the potential impact of this missense change (SIFT: "Deleterious"; PolyPhen-2: "Benign"; Align-GVGD: "Class C0"). In summary, the available evidence is currently insufficient to determine the role of this variant in disease. Therefore, it has been classified as a Variant of Uncertain Significance.

NM_030962.4(SBF2):c.3871G>C (p.Ala1291Pro)

Gene: SBF2 (SET binding factor 2; minus strand). Cytogenetic location: 11p15.4.
Variant type: single nucleotide variant.
Coding change: c.3871G>C on transcript NM_030962.4 (MANE Select); coding-DNA position 3871, G replaced by C.
Protein change: p.Ala1291Pro; replaces alanine 1291 with proline.
Molecular consequence: missense variant.
Genome position (GRCh38, 1-based): chr11:9,816,947, C>G on the plus strand (G>C on the coding strand, the complement: SBF2 is on the minus strand). VCF-style: chr11-9816947-C-G. GRCh37 (hg19) VCF-style: chr11-9838494-C-G.
Other names: c.3967G>C, p.Ala1323Pro (NM_001386339.1); c.3742G>C, p.Ala1248Pro (NM_001386342.1); short protein forms A1291P, A1248P, A1323P.
Identifiers: ClinVar variation 662211 (VCV000662211.6), dbSNP rs1488414945, ClinGen allele CA379644655.